The following is an entry in ClinVar:

ClinVar aggregate classification (germline): Conflicting classifications of pathogenicity. Review status: criteria provided, conflicting classifications (1 of 4 stars). 2 submissions from 2 submitters: Pathogenic (1); Uncertain significance (1). Last evaluated 2024-04-12.

Conditions:
Ataxia-telangiectasia syndrome (AT). Also called: Cerebello-oculocutaneous telangiectasia; Immunodeficiency with ataxia telangiectasia; Ataxia-telangiectasia, complementation group D; ATAXIA-TELANGIECTASIA, COMPLEMENTATION GROUP A; ATAXIA-TELANGIECTASIA, FRESNO VARIANT; Ataxia-telangiectasia. Identifiers: Orphanet 100, MedGen C0004135, MONDO:0008840, OMIM 208900.

Submissions (2):

Quest Diagnostics Nichols Institute San Juan Capistrano
Classification: Pathogenic. Last evaluated: 2024-04-12. Review status: criteria provided, single submitter. Criteria: Quest Diagnostics criteria. Collection method: clinical testing. Allele origin: unknown.
Comment: The ATM c.1802del (p.Ser601Ilefs*13) variant (also known as c.1802+1del) disrupts a canonical splice-donor site and alters the translational reading frame of the ATM mRNA, resulting in the premature termination of ATM protein synthesis. In the published literature, this variant has been reported in a compound heterozygous individual with ataxia-telangiectasia (PMID: 37075885 (2023)). This variant has not been reported in large, multi-ethnic general populations (Genome Aggregation Database). Based on the available information, this variant is classified as pathogenic.

Neuberg Centre For Genomic Medicine, NCGM
Classification: Uncertain significance for Ataxia-telangiectasia syndrome. Review status: criteria provided, single submitter. Criteria: ACMG Guidelines, 2015. Collection method: clinical testing. Allele origin: germline. Inheritance: Autosomal recessive inheritance. Affected: yes.
Comment: The splice donor c.1802+1del variant has not been reported previously as a pathogenic variant nor as a benign variant, to our knowledge. The c.1802+1del variant is novel (not in any individuals) in gnomAD Exomes and 1000 Genomes. Loss of function variants have been previously reported to be disease causing. This variant mutates a splice-donor sequence, potentially resulting in the retention of large segments of intronic DNA by the mRNA and non-functional proteins. For these reasons, this variant has been classified as Likely Pathogenic.

Literature cited by the submitters: PubMed 37075885 (cited by Quest Diagnostics Nichols Institute San Juan Capistrano).

NM_000051.4(ATM):c.1802+1del

Gene: ATM (ATM serine/threonine kinase; plus strand). Cytogenetic location: 11q22.3.
Variant type: Deletion.
Coding change: c.1802+1del on transcript NM_000051.4 (MANE Select); the canonical splice donor site of the intron after coding-DNA position 1802, one base deleted (G; older notation c.1802+1delG).
Molecular consequence: splice donor variant.
Genome position (GRCh38, 1-based): chr11:108,252,032, G deleted; the last of 2 consecutive G bases (chr11:108,252,031-108,252,032); deleting either gives the same sequence. VCF-style (leftmost placement, unchanged base first): chr11-108252030-AG-A. GRCh37 (hg19) VCF-style: chr11-108122757-AG-A.
Other names: c.1802del (NM_000051.3); c.1802+1del (NM_001351834.2).
Identifiers: ClinVar variation 2585098 (VCV002585098.2), dbSNP rs2497275396, ClinGen allele CA2582342450.